The following is an entry in ClinVar:

ClinVar aggregate classification (germline): Likely benign (1 of 4 stars; one submission).

Allele frequency attached by ClinVar (database versions not stated): TOPMed 0.02468; gnomAD 0.02646 and 0.02949; 1000 Genomes Project 30x 0.03841; 1000 Genomes Project 0.03894; gnomAD exomes 0.04048.
gnomAD v4.1: 32,128 of 840,784 alleles (3.8%); highest among the groups gnomAD compares: South Asian, 11%; 931 homozygotes.

Submission:

GeneDx
Classification: Likely benign. Last evaluated: 2018-06-16. Review status: criteria provided, single submitter. Criteria: GeneDx Variant Classification (06012015). Collection method: clinical testing. Allele origin: germline. Affected: yes.
Comment: This variant is considered likely benign or benign based on one or more of the following criteria: it is a conservative change, it occurs at a poorly conserved position in the protein, it is predicted to be benign by multiple in silico algorithms, and/or has population frequency not consistent with disease.

NM_000540.3(RYR1):c.9472+140A>G

Gene: RYR1 (ryanodine receptor 1; plus strand). Cytogenetic location: 19q13.2.
Variant type: single nucleotide variant.
Coding change: c.9472+140A>G on transcript NM_000540.3 (MANE Select); 140 bases into the intron after coding-DNA position 9472, A replaced by G.
Molecular consequence: intron variant.
Genome position (GRCh38, 1-based): chr19:38,512,623, A>G. VCF-style: chr19-38512623-A-G. GRCh37 (hg19) VCF-style: chr19-39003263-A-G.
Other names: c.9472+140A>G (NM_001042723.2).
Identifiers: ClinVar variation 672588 (VCV000672588.1), dbSNP rs16972685, ClinGen allele CA308125284.
Genomic context (GRCh38, chr19:38,512,623, plus strand): 5'-CTGGGTGTTTGAATGTGTGGATTTCTTGCTGTAAGCAAAGCATGCAGTCAGTACCTTGGC[A>G]GGTGGCAAATGAGTTAATGAGGACGCGAGCTCAGCAGCTCTAACAAAAGACCCTAAGTGG-3'